The following is an entry in ClinVar:

ClinVar aggregate classification (germline): Uncertain significance (1 of 4 stars; one submission).

Conditions:
Idiopathic generalized epilepsy. Also called: Generalised epilepsy; EIG. Identifiers: MedGen C0270850, MONDO:0005579, OMIM 600669.

Submission:

Labcorp Genetics (formerly Invitae), Labcorp
Classification: Uncertain significance for Idiopathic generalized epilepsy. Last evaluated: 2022-07-16. Review status: criteria provided, single submitter. Criteria: Invitae Variant Classification Sherloc (09022015). Collection method: clinical testing. Allele origin: germline.
Comment: This sequence change replaces valine, which is neutral and non-polar, with methionine, which is neutral and non-polar, at codon 434 of the GABRD protein (p.Val434Met). This variant is not present in population databases (gnomAD no frequency). This variant has not been reported in the literature in individuals affected with GABRD-related conditions. Algorithms developed to predict the effect of missense changes on protein structure and function are either unavailable or do not agree on the potential impact of this missense change (SIFT: "Deleterious"; PolyPhen-2: "Probably Damaging"; Align-GVGD: "Class C0"). In summary, the available evidence is currently insufficient to determine the role of this variant in disease. Therefore, it has been classified as a Variant of Uncertain Significance.

NM_000815.5(GABRD):c.1300G>A (p.Val434Met)

Gene: GABRD (gamma-aminobutyric acid type A receptor subunit delta; plus strand). Cytogenetic location: 1p36.33.
Variant type: single nucleotide variant.
Coding change: c.1300G>A on transcript NM_000815.5 (MANE Select); coding-DNA position 1300, G replaced by A.
Protein change: p.Val434Met; replaces valine 434 with methionine.
Molecular consequence: missense variant.
Genome position (GRCh38, 1-based): chr1:2,030,223, G>A. VCF-style: chr1-2030223-G-A. GRCh37 (hg19) VCF-style: chr1-1961662-G-A.
Other names: short protein forms V434M.
Identifiers: ClinVar variation 1715950 (VCV001715950.5), dbSNP rs2525648770, ClinGen allele CA337961047.